The following is an entry in ClinVar:

NC_000002.11:g.(?_17961235)_(17963206_?)del

Gene: GEN1 (GEN1 Holliday junction 5' flap endonuclease; plus strand). Cytogenetic location: 2p24.2.
Variant type: Deletion.
Identifiers: ClinVar variation 3247603 (VCV003247603.1).

ClinVar aggregate classification (germline): Uncertain significance (1 of 4 stars; one submission).

Submission:

Labcorp Genetics (formerly Invitae), Labcorp
Classification: Uncertain significance. Last evaluated: 2023-09-19. Review status: criteria provided, single submitter. Criteria: Invitae Variant Classification Sherloc (09022015). Collection method: clinical testing. Allele origin: unknown.
Comment: In summary, the available evidence is currently insufficient to determine the role of this variant in disease. Therefore, it has been classified as a Variant of Uncertain Significance. This variant has not been reported in the literature in individuals affected with GEN1-related conditions. This variant is a gross deletion of the genomic region encompassing exon(s) 13-14 of the GEN1 gene, which includes the termination codon. This deletion extends beyond the assayed region for this gene and therefore may encompass additional genes. While this deletion is not anticipated to lead to nonsense mediated decay, it is expected to alter mRNA translation or result in a truncated protein product.